The following is an entry in ClinVar:

NM_000360.4(TH):c.562del (p.Asp188fs)

Gene: TH (tyrosine hydroxylase; minus strand). Cytogenetic location: 11p15.5.
Variant type: Deletion.
Coding change: c.562del on transcript NM_000360.4 (MANE Select); coding-DNA position 562, one base deleted (G; older notation c.562delG).
Protein change: p.Asp188fs; shifts the reading frame from aspartic acid 188.
Molecular consequence: frameshift variant.
Genome position (GRCh38, 1-based): chr11:2,168,105, C deleted on the plus strand (G on the coding strand, the reverse complement: TH is on the minus strand); the first of 2 consecutive C bases (chr11:2,168,105-2,168,106); deleting either gives the same sequence. VCF-style (leftmost placement, unchanged base first): chr11-2168104-TC-T. GRCh37 (hg19) VCF-style: chr11-2189334-TC-T.
Other names: c.574del, p.Asp192fs (NM_001440535.1, NM_001440536.1); c.562del, p.Asp188fs (NM_001440537.1); c.655del, p.Asp219fs (NM_199292.3); c.643del, p.Asp215fs (NM_199293.3); short protein forms D188fs, D192fs, D215fs, D219fs.
Identifiers: ClinVar variation 5012469 (VCV005012469.1).

ClinVar aggregate classification (germline): Pathogenic (1 of 4 stars; one submission).

Conditions:
TH-deficient dopa-responsive dystonia. Also called: Segawa syndrome, autosomal recessive; Tyrosine Hydroxylase-Deficient Dopa-Responsive Dystonia; DYT-TH. Identifiers: Orphanet 101150, MedGen C2673535, MONDO:0011551, OMIM 605407.

Submission:

Myriad Genetics, Inc.
Classification: Pathogenic for TH-deficient dopa-responsive dystonia. Last evaluated: 2023-11-10. Review status: criteria provided, single submitter. Criteria: Myriad Autosomal Dominant, Autosomal Recessive and X-Linked Classification Criteria (2023). Collection method: clinical testing. Allele origin: unknown.
Comment: NM_199292.2(TH):c.655delG(D219Tfs*18) is expected to be pathogenic in the context of tyrosine hydroxylase deficiency. This variant is predicted to lead to an abnormal or absent protein product due to the creation of a premature termination codon in TH, a gene where loss-of-function variants are known to be pathogenic. Please note: this variant was assessed in the context of healthy population screening.